The following is an entry in ClinVar:

NM_002576.5(PAK1):c.256C>G (p.His86Asp)

Gene: PAK1 (p21 (RAC1) activated kinase 1; minus strand). Cytogenetic location: 11q13.5.
Variant type: single nucleotide variant.
Coding change: c.256C>G on transcript NM_002576.5 (MANE Select); coding-DNA position 256, C replaced by G.
Protein change: p.His86Asp; replaces histidine 86 with aspartic acid.
Molecular consequence: missense variant. On other transcripts: 5 prime UTR variant (2), non-coding transcript variant (2), intron variant (2).
Genome position (GRCh38, 1-based): chr11:77,379,929, G>C on the plus strand (C>G on the coding strand, the complement: PAK1 is on the minus strand). VCF-style: chr11-77379929-G-C. GRCh37 (hg19) VCF-style: chr11-77090974-G-C.
Other names: c.256C>G, p.His86Asp (NM_001128620.2, NM_001376268.1, NM_001376269.1 and 27 more transcripts); c.-39C>G (NM_001376302.1, NM_001376305.1); c.-3-541C>G (NM_001376304.1); c.191-5564C>G (NM_001376301.1); short protein forms H86D.
Identifiers: ClinVar variation 3383852 (VCV003383852.2).
Genomic context (GRCh38, chr11:77,379,929, plus strand): 5'-GACCTTTCTGTGACCCAGGACTTACCGTAAACTCCCCTGTGACAGCATCAAAACCGACAT[G>C]AATTGTGTGTTCAAAATCTGAAGGGAGAGAAATCTCTGGCCGCTCTTTCTCTTTCTTTTT-3'
Protein context (NP_002567.3, residues 76-96): SLPSDFEHTI[His86Asp]VGFDAVTGEF

ClinVar aggregate classification (germline): Uncertain significance (1 of 4 stars; one submission).

Submission:

GeneDx
Classification: Uncertain significance. Last evaluated: 2025-04-23. Review status: criteria provided, single submitter. Criteria: GeneDx Variant Classification Process June 2021. Collection method: clinical testing. Allele origin: germline. Affected: yes.
Comment: Not observed at significant frequency in large population cohorts (gnomAD); In silico analysis supports that this missense variant has a deleterious effect on protein structure/function; Has not been previously published as pathogenic or benign to our knowledge